The following is an entry in ClinVar:

NM_001267550.2(TTN):c.53180C>G (p.Ser17727Cys)

Genes: TTN (titin; minus strand), TTN-AS1 (TTN antisense RNA 1; plus strand), LOC126806425 (BRD4-independent group 4 enhancer GRCh37_chr2:179471933-179473132; plus strand). Cytogenetic location: 2q31.2.
Variant type: single nucleotide variant.
Coding change: c.53180C>G on transcript NM_001267550.2 (MANE Select); coding-DNA position 53180, C replaced by G.
Protein change: p.Ser17727Cys; replaces serine 17727 with cysteine.
Molecular consequence: missense variant.
Genome position (GRCh38, 1-based): chr2:178,607,508, G>C on the plus strand (C>G on the coding strand, the complement: TTN is on the minus strand). VCF-style: chr2-178607508-G-C. GRCh37 (hg19) VCF-style: chr2-179472235-G-C.
Other names: c.48257C>G, p.Ser16086Cys (NM_001256850.1); c.25985C>G, p.Ser8662Cys (NM_003319.4); c.26360C>G, p.Ser8787Cys (NM_133432.3); c.26561C>G, p.Ser8854Cys (NM_133437.4); c.45476C>G, p.Ser15159Cys (NM_133378.4); short protein forms S15159C, S17727C, S16086C, S8662C, S8787C, S8854C.
Identifiers: ClinVar variation 165989 (VCV000165989.16), dbSNP rs369262757, ClinGen allele CA178766.

ClinVar aggregate classification (germline): Uncertain significance. Review status: criteria provided, multiple submitters, no conflicts (2 of 4 stars). 4 submissions from 4 submitters: Uncertain significance (4). Last evaluated 2026-03-09.

Conditions:
TTN-related disorder. Also called: TTN-related condition; TTN-related disease; TTN-related disorders.
Dilated cardiomyopathy 1G (CMD1G). Identifiers: Orphanet 154, MedGen C1858763, MONDO:0011400, OMIM 604145.
Autosomal recessive limb-girdle muscular dystrophy type 2J (LGMDR10). Also called: Limb-girdle muscular dystrophy, type 2J; MUSCULAR DYSTROPHY, LIMB-GIRDLE, AUTOSOMAL RECESSIVE 10. Identifiers: Orphanet 140922, MedGen C1837342, MONDO:0012127, OMIM 608807.

Allele frequency attached by ClinVar (database versions not stated): gnomAD exomes 0.00001 and 0.00004; gnomAD 0.00002 and 0.00003; TOPMed 0.00002; ExAC 0.00003; ESP Exome Variant Server 0.00008.
gnomAD v4.1: 26 of 1,613,236 alleles (0.0016%); highest among the groups gnomAD compares: East Asian, 0.0022%; no homozygotes.

Submissions (4):

PreventionGenetics, part of Exact Sciences
Classification: Uncertain significance for TTN-related condition. Last evaluated: 2026-03-09. Review status: criteria provided, single submitter. Criteria: ACMG Guidelines, 2015. Collection method: clinical testing. Allele origin: germline.
Comment: The TTN c.53180C>G variant is predicted to result in the amino acid substitution p.Ser17727Cys. To our knowledge, this variant has not been reported in the literature. This variant is reported in 0.087% of alleles in individuals of Ashkenazi Jewish descent in gnomAD. Although we suspect that this variant may be benign, at this time, the clinical significance of this variant is uncertain due to the absence of conclusive functional and genetic evidence.

Labcorp Genetics (formerly Invitae), Labcorp
Classification: Uncertain significance for Dilated cardiomyopathy 1G; Autosomal recessive limb-girdle muscular dystrophy type 2J. Last evaluated: 2024-01-01. Review status: criteria provided, single submitter. Criteria: Invitae Variant Classification Sherloc (09022015). Collection method: clinical testing. Allele origin: germline.
Comment: This sequence change replaces serine, which is neutral and polar, with cysteine, which is neutral and slightly polar, at codon 17727 of the TTN protein (p.Ser17727Cys). This variant is present in population databases (rs369262757, gnomAD 0.08%). This missense change has been observed in individual(s) with clinical features of TTN-related conditions (Invitae). ClinVar contains an entry for this variant (Variation ID: 165989). Experimental studies and prediction algorithms are not available or were not evaluated, and the functional significance of this variant is currently unknown. This variant is located in the A band of TTN (PMID: 25589632). Variants in this region may be relevant for cardiac or neuromuscular disorders (PMID: 25589632, 23975875). In summary, the available evidence is currently insufficient to determine the role of this variant in disease. Therefore, it has been classified as a Variant of Uncertain Significance.

Eurofins Ntd Llc (ga)
Classification: Uncertain significance. Last evaluated: 2016-12-30. Review status: criteria provided, single submitter. Criteria: EGL Classification Definitions 2015. Collection method: clinical testing. Allele origin: germline. Observed: 1 variant allele, 1 heterozygote.

Laboratory for Molecular Medicine, Mass General Brigham Personalized Medicine
Classification: Uncertain significance. Last evaluated: 2014-04-10. Review status: criteria provided, single submitter. Criteria: LMM Criteria. Collection method: clinical testing. Allele origin: germline. Observed: 1 variant allele.
Comment: The Ser15159Cys variant in TTN has not been previously reported in individuals w ith cardiomyopathy, but has been identified in 1/8258 European American chromoso mes by the NHLBI Exome Sequencing Project. C omputational prediction tools and conservation analysis suggest that this varian t may impact the protein, though this information is not predictive enough to co nclusively determine pathogenicity. Additional information is needed to fully as sess the clinical significance of the Ser15159Cys variant.

Literature cited by the submitters: PubMed 25589632 (cited by Labcorp Genetics (formerly Invitae), Labcorp); PubMed 23975875 (cited by Labcorp Genetics (formerly Invitae), Labcorp).